The following is an entry in ClinVar:

NM_000537.4(REN):c.1186C>T (p.Arg396Cys)

Gene: REN (renin; minus strand). Cytogenetic location: 1q32.1.
Variant type: single nucleotide variant.
Coding change: c.1186C>T on transcript NM_000537.4 (MANE Select); coding-DNA position 1186, C replaced by T.
Protein change: p.Arg396Cys; replaces arginine 396 with cysteine.
Molecular consequence: missense variant.
Genome position (GRCh38, 1-based): chr1:204,155,051, G>A on the plus strand (C>T on the coding strand, the complement: REN is on the minus strand). VCF-style: chr1-204155051-G-A. GRCh37 (hg19) VCF-style: chr1-204124179-G-A.
Other names: short protein forms R396C.
Identifiers: ClinVar variation 1339184 (VCV001339184.2), dbSNP rs763037834, ClinGen allele CA1344637.

ClinVar aggregate classification (germline): Uncertain significance (1 of 4 stars; one submission).

Conditions:
Familial juvenile hyperuricemic nephropathy type 2 (ADTKD4). Also called: EARLY-ONSET HYPERURICEMIA, ANEMIA, AND PROGRESSIVE KIDNEY FAILURE; Autosomal Dominant Tubulointerstitial Kidney Disease – REN. Identifiers: Orphanet 217330, MedGen C2751310, MONDO:0013128, OMIM 613092.

Allele frequency attached by ClinVar (database versions not stated): gnomAD exomes 0.00001; TOPMed below 0.00001; ExAC 0.00001; gnomAD 0.00001.
gnomAD v4.1: 9 of 1,614,088 alleles (0.00056%); highest among the groups gnomAD compares: South Asian, 0.0044%; no homozygotes.

Submission:

Neuberg Centre For Genomic Medicine, NCGM
Classification: Uncertain significance for Familial juvenile hyperuricemic nephropathy type 2. Review status: criteria provided, single submitter. Criteria: ACMG Guidelines, 2015. Collection method: clinical testing. Allele origin: germline. Affected: yes.
Comment: The missense variant p.R396C in REN (NM_000537.4) has not been reported previously as a pathogenic variant nor as a benign variant, to our knowledge. The missense variant c.1186C>T (p.R396C) in REN (NM_000537.4) is observed in 1/30616 (0.0033%) alleles from individuals of South Asian background in the gnomAD dataset (Exome Aggregation Consortium et al., 2016), but was not seen in the homozygous state. There is a large physicochemical difference between arginine and cysteine, which is likely to impact secondary protein structure as these residues differ in polarity, charge, size and/or other properties. The variant is damaging by predictions and conserved across species. For these reasons, this variant has been classified as Uncertain Significance.